The following is an entry in ClinVar:

NM_004655.4(AXIN2):c.1932C>A (p.Tyr644Ter)

Gene: AXIN2 (axin 2; minus strand). Cytogenetic location: 17q24.1.
Variant type: single nucleotide variant.
Coding change: c.1932C>A on transcript NM_004655.4 (MANE Select); coding-DNA position 1932, C replaced by A.
Protein change: p.Tyr644Ter; replaces tyrosine 644 with a stop codon.
Molecular consequence: nonsense.
Genome position (GRCh38, 1-based): chr17:65,536,529, G>T on the plus strand (C>A on the coding strand, the complement: AXIN2 is on the minus strand). VCF-style: chr17-65536529-G-T. GRCh37 (hg19) VCF-style: chr17-63532647-G-T.
Other names: c.1737C>A, p.Tyr579Ter (NM_001363813.1); short protein forms Y579*, Y644*.
Identifiers: ClinVar variation 2120912 (VCV002120912.5), dbSNP rs1458077502, ClinGen allele CA400676307.

ClinVar aggregate classification (germline): Pathogenic/Likely pathogenic. Review status: criteria provided, multiple submitters, no conflicts (2 of 4 stars). 2 submissions from 2 submitters: Pathogenic (1); Likely pathogenic (1). Last evaluated 2023-03-02.

Conditions:
AXIN2-related disorder.
Oligodontia-cancer predisposition syndrome. Also called: TOOTH AGENESIS-COLORECTAL CANCER SYNDROME. Identifiers: Orphanet 300576, MedGen C1837750, MONDO:0012075, OMIM 608615. Disease mechanism: loss of function.

Submissions (2):

PreventionGenetics, part of Exact Sciences
Classification: Likely pathogenic for AXIN2-related condition. Last evaluated: 2023-03-02. Review status: criteria provided, single submitter. Criteria: ACMG Guidelines, 2015. Collection method: clinical testing. Allele origin: germline.
Comment: The AXIN2 c.1932C>A variant is predicted to result in premature protein termination (p.Tyr644*). To our knowledge, this variant has not been reported in the literature or in a large population database, indicating this variant is rare. Nonsense variants in AXIN2 are expected to be pathogenic. This variant is interpreted as likely pathogenic.

Labcorp Genetics (formerly Invitae), Labcorp
Classification: Pathogenic for Oligodontia-cancer predisposition syndrome. Last evaluated: 2022-04-02. Review status: criteria provided, single submitter. Criteria: Invitae Variant Classification Sherloc (09022015). Collection method: clinical testing. Allele origin: germline.
Comment: This sequence change creates a premature translational stop signal (p.Tyr644*) in the AXIN2 gene. It is expected to result in an absent or disrupted protein product. Loss-of-function variants in AXIN2 are known to be pathogenic (PMID: 15042511, 21416598). For these reasons, this variant has been classified as Pathogenic. This variant has not been reported in the literature in individuals affected with AXIN2-related conditions. This variant is not present in population databases (gnomAD no frequency).

Literature cited by the submitters: PubMed 15042511 (cited by Labcorp Genetics (formerly Invitae), Labcorp); PubMed 21416598 (cited by Labcorp Genetics (formerly Invitae), Labcorp).